The following is an entry in ClinVar:

ClinVar aggregate classification (germline): Uncertain significance (1 of 4 stars; one submission).

Allele frequency attached by ClinVar (database versions not stated): gnomAD exomes 0.00001; ExAC 0.00003.
gnomAD v4.1: 6 of 1,613,770 alleles (0.00037%); highest among the groups gnomAD compares: Non-Finnish European, 0.00051%; no homozygotes.

Submission:

Labcorp Genetics (formerly Invitae), Labcorp
Classification: Uncertain significance. Last evaluated: 2023-09-27. Review status: criteria provided, single submitter. Criteria: Invitae Variant Classification Sherloc (09022015). Collection method: clinical testing. Allele origin: germline.
Comment: In summary, the available evidence is currently insufficient to determine the role of this variant in disease. Therefore, it has been classified as a Variant of Uncertain Significance. Experimental studies and prediction algorithms are not available or were not evaluated, and the functional significance of this variant is currently unknown. This variant has not been reported in the literature in individuals affected with PCLO-related conditions. This variant is present in population databases (rs758058081, gnomAD 0.004%). This sequence change replaces phenylalanine, which is neutral and non-polar, with isoleucine, which is neutral and non-polar, at codon 1983 of the PCLO protein (p.Phe1983Ile).

NM_033026.6(PCLO):c.5947T>A (p.Phe1983Ile)

Gene: PCLO (piccolo presynaptic cytomatrix protein; minus strand). Cytogenetic location: 7q21.11.
Variant type: single nucleotide variant.
Coding change: c.5947T>A on transcript NM_033026.6 (MANE Select); coding-DNA position 5947, T replaced by A.
Protein change: p.Phe1983Ile; replaces phenylalanine 1983 with isoleucine.
Molecular consequence: missense variant.
Genome position (GRCh38, 1-based): chr7:82,955,006, A>T on the plus strand (T>A on the coding strand, the complement: PCLO is on the minus strand). VCF-style: chr7-82955006-A-T. GRCh37 (hg19) VCF-style: chr7-82584322-A-T.
Other names: c.5947T>A, p.Phe1983Ile (NM_014510.3); short protein forms F1983I.
Identifiers: ClinVar variation 2979716 (VCV002979716.3), dbSNP rs758058081, ClinGen allele CA4320557.